The following is an entry in ClinVar:

NM_001845.6(COL4A1):c.3581C>T (p.Pro1194Leu)

Gene: COL4A1 (collagen type IV alpha 1 chain; minus strand). Cytogenetic location: 13q34.
Variant type: single nucleotide variant.
Coding change: c.3581C>T on transcript NM_001845.6 (MANE Select); coding-DNA position 3581, C replaced by T.
Protein change: p.Pro1194Leu; replaces proline 1194 with leucine.
Molecular consequence: missense variant.
Genome position (GRCh38, 1-based): chr13:110,170,708, G>A on the plus strand (C>T on the coding strand, the complement: COL4A1 is on the minus strand). VCF-style: chr13-110170708-G-A. GRCh37 (hg19) VCF-style: chr13-110823055-G-A.
Other names: short protein forms P1194L.
Identifiers: ClinVar variation 804574 (VCV000804574.6), dbSNP rs372606485, ClinGen allele CA7047200.

ClinVar aggregate classification (germline): Uncertain significance. Review status: criteria provided, multiple submitters, no conflicts (2 of 4 stars). 3 submissions from 3 submitters: Uncertain significance (3). Last evaluated 2025-05-07.

Allele frequency attached by ClinVar (database versions not stated): gnomAD exomes below 0.00001 and 0.00001; ExAC 0.00001; gnomAD 0.00001; TOPMed 0.00001; ESP Exome Variant Server 0.00008.
gnomAD v4.1: 16 of 1,614,088 alleles (0.00099%); highest among the groups gnomAD compares: Non-Finnish European, 0.0013%; no homozygotes.

Submissions (3):

Labcorp Genetics (formerly Invitae), Labcorp
Classification: Uncertain significance. Last evaluated: 2025-05-07. Review status: criteria provided, single submitter. Criteria: Invitae Variant Classification Sherloc (09022015). Collection method: clinical testing. Allele origin: germline.
Comment: This sequence change replaces proline, which is neutral and non-polar, with leucine, which is neutral and non-polar, at codon 1194 of the COL4A1 protein (p.Pro1194Leu). This variant is present in population databases (rs372606485, gnomAD 0.0009%). This variant has not been reported in the literature in individuals affected with COL4A1-related conditions. ClinVar contains an entry for this variant (Variation ID: 804574). Invitae Evidence Modeling of protein sequence and biophysical properties (such as structural, functional, and spatial information, amino acid conservation, physicochemical variation, residue mobility, and thermodynamic stability) indicates that this missense variant is not expected to disrupt COL4A1 protein function with a negative predictive value of 95%. In summary, the available evidence is currently insufficient to determine the role of this variant in disease. Therefore, it has been classified as a Variant of Uncertain Significance.

Blueprint Genetics
Classification: Uncertain significance. Last evaluated: 2024-01-12. Review status: criteria provided, single submitter. Criteria: ACMG Guidelines, 2015. Collection method: clinical testing. Allele origin: germline.

Athena Diagnostics
Classification: Uncertain significance. Last evaluated: 2019-08-05. Review status: criteria provided, single submitter. Criteria: Athena Diagnostics Criteria. Collection method: clinical testing. Allele origin: germline.